The following is an entry in ClinVar:

ClinVar aggregate classification (germline): Conflicting classifications of pathogenicity. Review status: criteria provided, conflicting classifications (1 of 4 stars). 5 submissions from 5 submitters: Uncertain significance (2); Likely benign (3). Last evaluated 2024-10-16.

Conditions:
Epilepsy, childhood absence, susceptibility to, 6. Identifiers: Orphanet 64280, MedGen C2749872, MONDO:0012763, OMIM 611942.
Hyperaldosteronism, familial, type IV (HALD4). Also called: FH IV; ALDOSTERONISM, PRIMARY, AND HYPERTENSION. Identifiers: Orphanet 642671, MedGen C4310756, MONDO:0014875, OMIM 617027.
Inborn genetic diseases. Identifiers: MedGen C0950123, MeSH D030342.
Idiopathic generalized epilepsy. Also called: Generalised epilepsy; EIG. Identifiers: MedGen C0270850, MONDO:0005579, OMIM 600669.

Allele frequency attached by ClinVar (database versions not stated): ExAC 0.00001; gnomAD exomes 0.00001; gnomAD 0.00004; TOPMed 0.00005.
gnomAD v4.1: 31 of 1,535,648 alleles (0.002%); highest among the groups gnomAD compares: African/African-American, 0.0056%; no homozygotes.

Submissions (5):

Women's Health and Genetics/Laboratory Corporation of America, LabCorp
Classification: Uncertain significance. Last evaluated: 2024-10-16. Review status: criteria provided, single submitter. Criteria: LabCorp Variant Classification Summary - May 2015. Collection method: clinical testing. Allele origin: germline.
Comment: Variant summary: CACNA1H c.6503C>T (p.Ala2168Val) results in a non-conservative amino acid change in the encoded protein sequence. Four of five in-silico tools predict a benign effect of the variant on protein function. The variant allele was found at a frequency of 6.1e-06 in 163054 control chromosomes. The available data on variant occurrences in the general population are insufficient to allow any conclusion about variant significance. To our knowledge, no occurrence of c.6503C>T in individuals affected with Idiopathic Generalized Epilepsy and no experimental evidence demonstrating its impact on protein function have been reported. ClinVar contains an entry for this variant (Variation ID: 2922954). Based on the evidence outlined above, the variant was classified as uncertain significance.

Fulgent Genetics
Classification: Uncertain significance for Epilepsy, childhood absence, susceptibility to, 6; Hyperaldosteronism, familial, type IV. Last evaluated: 2024-06-18. Review status: criteria provided, single submitter. Criteria: ACMG Guidelines, 2015. Collection method: clinical testing. Allele origin: germline.

Ambry Genetics
Classification: Likely benign for Inborn genetic diseases. Last evaluated: 2023-12-19. Review status: criteria provided, single submitter. Criteria: Ambry Variant Classification Scheme 2023. Collection method: clinical testing. Allele origin: germline.

Blueprint Genetics
Classification: Likely benign. Last evaluated: 2023-08-15. Review status: criteria provided, single submitter. Criteria: ACMG Guidelines, 2015. Collection method: clinical testing. Allele origin: germline.

Labcorp Genetics (formerly Invitae), Labcorp
Classification: Likely benign for Idiopathic generalized epilepsy; Hyperaldosteronism, familial, type IV. Last evaluated: 2023-08-11. Review status: criteria provided, single submitter. Criteria: Invitae Variant Classification Sherloc (09022015). Collection method: clinical testing. Allele origin: germline.

NM_021098.3(CACNA1H):c.6503C>T (p.Ala2168Val)

Gene: CACNA1H (calcium voltage-gated channel subunit alpha1 H; plus strand). Cytogenetic location: 16p13.3.
Variant type: single nucleotide variant.
Coding change: c.6503C>T on transcript NM_021098.3 (MANE Select); coding-DNA position 6503, C replaced by T.
Protein change: p.Ala2168Val; replaces alanine 2168 with valine.
Molecular consequence: missense variant.
Genome position (GRCh38, 1-based): chr16:1,220,435, C>T. VCF-style: chr16-1220435-C-T. GRCh37 (hg19) VCF-style: chr16-1270435-C-T.
Other names: c.6503C>T (NM_021098.2); c.6485C>T, p.Ala2162Val (NM_001005407.2); short protein forms A2162V, A2168V.
Identifiers: ClinVar variation 2922954 (VCV002922954.7), dbSNP rs765008315, ClinGen allele CA7802391.